The following is an entry in ClinVar:

ClinVar aggregate classification (germline): Uncertain significance. Review status: criteria provided, multiple submitters, no conflicts (2 of 4 stars). 3 submissions from 3 submitters: Uncertain significance (3). Last evaluated 2025-03-19.

Conditions:
Inborn genetic diseases. Identifiers: MedGen C0950123, MeSH D030342.

Allele frequency attached by ClinVar (database versions not stated): gnomAD exomes 0.00001 and 0.00007; ExAC 0.00008; gnomAD 0.00025; TOPMed 0.00029; ESP Exome Variant Server 0.00038; 1000 Genomes Project 0.00040; 1000 Genomes Project 30x 0.00047.
gnomAD v4.1: 56 of 1,612,306 alleles (0.0035%); highest among the groups gnomAD compares: African/African-American, 0.071%; no homozygotes.

Submissions (3):

GeneDx
Classification: Uncertain significance. Last evaluated: 2025-03-19. Review status: criteria provided, single submitter. Criteria: GeneDx Variant Classification Process June 2021. Collection method: clinical testing. Allele origin: germline. Affected: yes.
Comment: In silico analysis supports that this missense variant has a deleterious effect on protein structure/function; Has not been previously published as pathogenic or benign to our knowledge

Ambry Genetics
Classification: Uncertain significance for Inborn genetic diseases. Last evaluated: 2024-04-27. Review status: criteria provided, single submitter. Criteria: Ambry Variant Classification Scheme 2023. Collection method: clinical testing. Allele origin: germline.

Labcorp Genetics (formerly Invitae), Labcorp
Classification: Uncertain significance. Last evaluated: 2022-09-28. Review status: criteria provided, single submitter. Criteria: Invitae Variant Classification Sherloc (09022015). Collection method: clinical testing. Allele origin: germline.
Comment: This sequence change replaces proline, which is neutral and non-polar, with leucine, which is neutral and non-polar, at codon 970 of the MCM3AP protein (p.Pro970Leu). This variant is present in population databases (rs143292027, gnomAD 0.1%). This variant has not been reported in the literature in individuals affected with MCM3AP-related conditions. ClinVar contains an entry for this variant (Variation ID: 1368051). Algorithms developed to predict the effect of missense changes on protein structure and function output the following: SIFT: "Deleterious"; PolyPhen-2: "Benign"; Align-GVGD: "Class C15". The leucine amino acid residue is found in multiple mammalian species, which suggests that this missense change does not adversely affect protein function. In summary, the available evidence is currently insufficient to determine the role of this variant in disease. Therefore, it has been classified as a Variant of Uncertain Significance.

NM_003906.5(MCM3AP):c.2909C>T (p.Pro970Leu)

Gene: MCM3AP (minichromosome maintenance complex component 3 associated protein; minus strand). Cytogenetic location: 21q22.3.
Variant type: single nucleotide variant.
Coding change: c.2909C>T on transcript NM_003906.5 (MANE Select); coding-DNA position 2909, C replaced by T.
Protein change: p.Pro970Leu; replaces proline 970 with leucine.
Molecular consequence: missense variant.
Genome position (GRCh38, 1-based): chr21:46,266,047, G>A on the plus strand (C>T on the coding strand, the complement: MCM3AP is on the minus strand). VCF-style: chr21-46266047-G-A. GRCh37 (hg19) VCF-style: chr21-47685961-G-A.
Other names: c.2909C>T (NM_003906.3, NM_003906.4); short protein forms P970L.
Identifiers: ClinVar variation 1368051 (VCV001368051.6), dbSNP rs143292027, ClinGen allele CA10076693.